The following is an entry in ClinVar:

NM_001330574.2(ZNF711):c.798A>G (p.Thr266=)

Gene: ZNF711 (ZFX family zinc finger ZNF711; plus strand). Cytogenetic location: Xq21.1.
Variant type: single nucleotide variant.
Coding change: c.798A>G on transcript NM_001330574.2 (MANE Select); coding-DNA position 798, A replaced by G.
Protein change: p.Thr266=; no amino-acid change (threonine 266 retained).
Molecular consequence: synonymous variant.
Genome position (GRCh38, 1-based): chrX:85,265,137, A>G. VCF-style: chrX-85265137-A-G. GRCh37 (hg19) VCF-style: chrX-84520143-A-G.
Other names: c.798A>G, p.Thr266= (NM_021998.5).
Identifiers: ClinVar variation 130851 (VCV000130851.15), dbSNP rs72549428, ClinGen allele CA156166.

ClinVar aggregate classification (germline): Benign. Review status: criteria provided, multiple submitters, no conflicts (2 of 4 stars). 5 submissions from 5 submitters: Benign (4). 1 of the submissions does not count toward it. Last evaluated 2026-02-02.

Conditions:
Inborn genetic diseases. Identifiers: MedGen C0950123, MeSH D030342.
Intellectual developmental disorder, X-linked 97. Also called: Intellectual disability, X-linked 97. Identifiers: Orphanet 777, MedGen C2749020, MONDO:0010430, OMIM 300803.

Allele frequency attached by ClinVar (database versions not stated): TOPMed 0.00779; ESP Exome Variant Server 0.00843; 1000 Genomes Project 30x 0.00978; 1000 Genomes Project 0.01060; gnomAD 0.01228 and 0.01268; gnomAD exomes 0.01375 and 0.01770; ExAC 0.01631.
gnomAD v4.1: 16,531 of 1,206,261 alleles (1.4%); highest among the groups gnomAD compares: South Asian, 3.4%; 146 homozygotes.

Submissions (5):

Labcorp Genetics (formerly Invitae), Labcorp
Classification: Benign. Last evaluated: 2026-02-02. Review status: criteria provided, single submitter. Criteria: Invitae Variant Classification Sherloc (09022015). Collection method: clinical testing. Allele origin: germline.

Illumina Laboratory Services, Illumina
Classification: Benign for Intellectual developmental disorder, X-linked 97. Last evaluated: 2018-01-12. Review status: criteria provided, single submitter. Criteria: ICSL Variant Classification Criteria 13 December 2019. Collection method: clinical testing. Allele origin: germline.
Comment: This variant was observed in the ICSL laboratory as part of a predisposition screen in an ostensibly healthy population. It had not been previously curated by ICSL or reported in the Human Gene Mutation Database (HGMD: prior to June 1st, 2018), and was therefore a candidate for classification through an automated scoring system. Utilizing variant allele frequency, disease prevalence and penetrance estimates, and inheritance mode, an automated score was calculated to assess if this variant is too frequent to cause the disease. Based on the score and internal cut-off values, a variant classified as benign is not then subjected to further curation. The score for this variant resulted in a classification of benign for this disease.

Ambry Genetics
Classification: Benign for Inborn genetic diseases. Last evaluated: 2016-01-23. Review status: criteria provided, single submitter. Criteria: Ambry Variant Classification Scheme 2023. Collection method: clinical testing. Allele origin: germline.

Breakthrough Genomics
Classification: Benign. Review status: criteria provided, single submitter. Criteria: ACMG Guidelines, 2015. Collection method: not provided. Allele origin: germline. Inheritance: X-linked inheritance. Affected: yes.

Genetic Services Laboratory, University of Chicago
Classification: Likely benign for AllHighlyPenetrant. Review status: no assertion criteria provided. Collection method: clinical testing. Allele origin: germline. Inheritance: X-linked inheritance. Not counted in ClinVar's aggregate classification.
Comment: Likely benign based on allele frequency in 1000 Genomes Project or ESP global frequency and its presence in a patient with a rare or unrelated disease phenotype. NOT Sanger confirmed.